The following is an entry in ClinVar:

ClinVar aggregate classification (germline): Uncertain significance (1 of 4 stars; one submission).

Conditions:
Zellweger spectrum disorders (ZS). Also called: Zellweger Spectrum Disorder (ZSD); Zellweger syndrome; Zellweger Spectrum Disorder; Zellweger Spectrum. Identifiers: Orphanet 912, MedGen C0043459, MONDO:0019609.

Submission:

Labcorp Genetics (formerly Invitae), Labcorp
Classification: Uncertain significance for Zellweger spectrum disorders. Last evaluated: 2021-08-14. Review status: criteria provided, single submitter. Criteria: Invitae Variant Classification Sherloc (09022015). Collection method: clinical testing. Allele origin: germline.
Comment: This sequence change replaces asparagine with serine at codon 560 of the PEX1 protein (p.Asn560Ser). The asparagine residue is weakly conserved and there is a small physicochemical difference between asparagine and serine. This variant is not present in population databases (ExAC no frequency). This variant has not been reported in the literature in individuals affected with PEX1-related conditions. Advanced modeling of protein sequence and biophysical properties (such as structural, functional, and spatial information, amino acid conservation, physicochemical variation, residue mobility, and thermodynamic stability) performed at Invitae indicates that this missense variant is not expected to disrupt PEX1 protein function. In summary, the available evidence is currently insufficient to determine the role of this variant in disease. Therefore, it has been classified as a Variant of Uncertain Significance.

NM_000466.3(PEX1):c.1679A>G (p.Asn560Ser)

Gene: PEX1 (peroxisomal biogenesis factor 1; minus strand). Cytogenetic location: 7q21.2.
Variant type: single nucleotide variant.
Coding change: c.1679A>G on transcript NM_000466.3 (MANE Select); coding-DNA position 1679, A replaced by G.
Protein change: p.Asn560Ser; replaces asparagine 560 with serine.
Molecular consequence: missense variant.
Genome position (GRCh38, 1-based): chr7:92,507,118, T>C on the plus strand (A>G on the coding strand, the complement: PEX1 is on the minus strand). VCF-style: chr7-92507118-T-C. GRCh37 (hg19) VCF-style: chr7-92136432-T-C.
Other names: c.1679A>G, p.Asn560Ser (NM_001282677.2); c.1055A>G, p.Asn352Ser (NM_001282678.2); short protein forms N352S, N560S.
Identifiers: ClinVar variation 1368218 (VCV001368218.5), dbSNP rs2116181845, ClinGen allele CA368187994.
Genomic context (GRCh38, chr7:92,507,118, plus strand): 5'-GACAAAGGGCGTCCCAGGAGGCTGTGAGTGATGTGCTCCAAGGAGGATACGCCTAAGGAA[T>C]TCACTCCTCTGTAAAAAATATACATAGTTACATGATAAAAGACTGAAGCAGGATAAAATT-3'
Protein context (NP_000457.1, residues 550-570): FLKLSSLGGV[Asn560Ser]SLGVSSLEHI